The following is an entry in ClinVar:

ClinVar aggregate classification (germline): Uncertain significance (1 of 4 stars; one submission).

Conditions:
Norman-Roberts syndrome (LIS2). Also called: Lissencephaly 2 (Norman-Roberts type). Identifiers: Orphanet 89844, MedGen C0796089, MONDO:0009760, OMIM 257320.
Familial temporal lobe epilepsy 7. Identifiers: Orphanet 101046, MedGen C4225327, MONDO:0014639, OMIM 616436.

Submission:

Labcorp Genetics (formerly Invitae), Labcorp
Classification: Uncertain significance for Familial temporal lobe epilepsy 7; Norman-Roberts syndrome. Last evaluated: 2021-06-03. Review status: criteria provided, single submitter. Criteria: Invitae Variant Classification Sherloc (09022015). Collection method: clinical testing. Allele origin: germline.
Comment: In summary, the available evidence is currently insufficient to determine the role of this variant in disease. Therefore, it has been classified as a Variant of Uncertain Significance. Algorithms developed to predict the effect of sequence changes on RNA splicing suggest that this variant may create or strengthen a splice site, but this prediction has not been confirmed by published transcriptional studies. Algorithms developed to predict the effect of missense changes on protein structure and function are either unavailable or do not agree on the potential impact of this missense change (SIFT: "Deleterious"; PolyPhen-2: "Benign"; Align-GVGD: "Class C0"). This variant has not been reported in the literature in individuals with RELN-related conditions. This variant is not present in population databases (ExAC no frequency). This sequence change replaces serine with arginine at codon 3219 of the RELN protein (p.Ser3219Arg). The serine residue is moderately conserved and there is a moderate physicochemical difference between serine and arginine.

NM_005045.4(RELN):c.9657C>G (p.Ser3219Arg)

Genes: SLC26A5-AS1 (SLC26A5 antisense RNA 1; plus strand), RELN (reelin; minus strand), LOC126860130 (BRD4-independent group 4 enhancer GRCh37_chr7:103130126-103131325; plus strand). Cytogenetic location: 7q22.1.
Variant type: single nucleotide variant.
Coding change: c.9657C>G on transcript NM_005045.4 (MANE Select); coding-DNA position 9657, C replaced by G.
Protein change: p.Ser3219Arg; replaces serine 3219 with arginine.
Molecular consequence: missense variant.
Genome position (GRCh38, 1-based): chr7:103,489,848, G>C on the plus strand (C>G on the coding strand, the complement: RELN is on the minus strand). VCF-style: chr7-103489848-G-C. GRCh37 (hg19) VCF-style: chr7-103130295-G-C.
Other names: c.9657C>G, p.Ser3219Arg (NM_173054.3); short protein forms S3219R.
Identifiers: ClinVar variation 1420388 (VCV001420388.8), dbSNP rs1828587974, ClinGen allele CA368743992.